The following is an entry in ClinVar:

NM_006361.6(HOXB13):c.380T>A (p.Phe127Tyr)

Gene: HOXB13 (homeobox B13; minus strand). Cytogenetic location: 17q21.32.
Variant type: single nucleotide variant.
Coding change: c.380T>A on transcript NM_006361.6 (MANE Select); coding-DNA position 380, T replaced by A.
Protein change: p.Phe127Tyr; replaces phenylalanine 127 with tyrosine.
Molecular consequence: missense variant.
Genome position (GRCh38, 1-based): chr17:48,728,214, A>T on the plus strand (T>A on the coding strand, the complement: HOXB13 is on the minus strand). VCF-style: chr17-48728214-A-T. GRCh37 (hg19) VCF-style: chr17-46805576-A-T.
Other names: short protein forms F127Y.
Identifiers: ClinVar variation 824249 (VCV000824249.15), dbSNP rs1308777323, ClinGen allele CA400107580.

ClinVar aggregate classification (germline): Uncertain significance. Review status: criteria provided, multiple submitters, no conflicts (2 of 4 stars). 2 submissions from 2 submitters: Uncertain significance (2). Last evaluated 2025-12-23.

Conditions:
Hereditary cancer-predisposing syndrome. Also called: Neoplastic Syndromes, Hereditary; Tumor predisposition; Hereditary neoplastic syndrome; Hereditary Cancer Syndrome. Identifiers: Orphanet 140162, MedGen C0027672, MeSH D009386, MONDO:0015356.

Allele frequency attached by ClinVar (database versions not stated): gnomAD 0.00001.
gnomAD v4.1: 4 of 1,614,056 alleles (0.00025%); highest among the groups gnomAD compares: East Asian, 0.0045%; no homozygotes.

Submissions (2):

Labcorp Genetics (formerly Invitae), Labcorp
Classification: Uncertain significance. Last evaluated: 2025-12-23. Review status: criteria provided, single submitter. Criteria: Invitae Variant Classification Sherloc (09022015). Collection method: clinical testing. Allele origin: germline.
Comment: This sequence change replaces phenylalanine, which is neutral and non-polar, with tyrosine, which is neutral and polar, at codon 127 of the HOXB13 protein (p.Phe127Tyr). This variant is present in population databases (no rsID available, gnomAD 0.06%). This variant has not been reported in the literature in individuals affected with HOXB13-related conditions. ClinVar contains an entry for this variant (Variation ID: 824249). Invitae Evidence Modeling of protein sequence and biophysical properties (such as structural, functional, and spatial information, amino acid conservation, physicochemical variation, residue mobility, and thermodynamic stability) indicates that this missense variant is not expected to disrupt HOXB13 protein function with a negative predictive value of 80%. In summary, the available evidence is currently insufficient to determine the role of this variant in disease. Therefore, it has been classified as a Variant of Uncertain Significance.

Ambry Genetics
Classification: Uncertain significance for Hereditary cancer-predisposing syndrome. Last evaluated: 2025-03-03. Review status: criteria provided, single submitter. Criteria: Ambry Variant Classification Scheme 2023. Collection method: clinical testing. Allele origin: germline.
Comment: The p.F127Y variant (also known as c.380T>A), located in coding exon 1 of the HOXB13 gene, results from a T to A substitution at nucleotide position 380. The phenylalanine at codon 127 is replaced by tyrosine, an amino acid with highly similar properties. This amino acid position is highly conserved in available vertebrate species. In addition, the in silico prediction for this alteration is inconclusive. Since supporting evidence is limited at this time, the clinical significance of this alteration remains unclear.